The following is an entry in ClinVar:

ClinVar aggregate classification (germline): Uncertain significance. Review status: criteria provided, multiple submitters, no conflicts (2 of 4 stars). 2 submissions from 2 submitters: Uncertain significance (2). Last evaluated 2025-10-26.

Conditions:
Congenital multicore myopathy with external ophthalmoplegia (CMYO1B). Also called: MULTIMINICORE DISEASE WITH EXTERNAL OPHTHALMOPLEGIA; Minicore myopathy with external ophthalmoplegia; MULTICORE MYOPATHY; Congenital myopathy 1B, autosomal recessive; Minicore myopathy. Identifiers: Orphanet 598, Orphanet 98905, MedGen C1850674, MONDO:0009712, OMIM 255320, HP:0003789.

Submissions (2):

3billion
Classification: Uncertain significance for Congenital multicore myopathy with external ophthalmoplegia. Last evaluated: 2025-10-26. Review status: criteria provided, single submitter. Criteria: ACMG Guidelines, 2015. Collection method: clinical testing. Allele origin: germline. Affected: yes.
Comment: The variant is not observed in the gnomAD v4.1.0 dataset. Predicted Consequence/Location: Inframe deletion located in a repeat region: not predicted to disrupt normal protein function. The variant has been reported to be associated with RYR1-related disorder (PMID: 25960145). However, the evidence of pathogenicity is insufficient at this time. Therefore, this variant is classified as VUS according to the recommendation of ACMG/AMP guideline.

Revvity Omics, Revvity
Classification: Uncertain significance. Last evaluated: 2023-08-05. Review status: criteria provided, single submitter. Criteria: ACMG Guidelines, 2015. Collection method: clinical testing. Allele origin: germline.

Literature cited by the submitters: PubMed 25960145 (cited by 3billion).

NM_000540.3(RYR1):c.12819_12830del (p.Glu4276_Ala4279del)

Gene: RYR1 (ryanodine receptor 1; plus strand). Cytogenetic location: 19q13.2.
Variant type: Deletion.
Coding change: c.12819_12830del on transcript NM_000540.3 (MANE Select); coding-DNA positions 12819 to 12830, 12 bases deleted (AGGCGCGGAGGA).
Protein change: p.Glu4276_Ala4279del.
Molecular consequence: inframe deletion.
Genome position (GRCh38, 1-based): chr19:38,565,153-38,565,164, AGGCGCGGAGGA deleted; deleting any 12 consecutive bases within chr19:38,565,150-38,565,164 gives the same sequence; the c. name uses the placement nearest the transcript's 3' end. VCF-style (leftmost placement, unchanged base first): chr19-38565149-CGGAAGGCGCGGA-C. GRCh37 (hg19) VCF-style: chr19-39055789-CGGAAGGCGCGGA-C.
Other names: c.12804_12815del, p.Glu4271_Ala4274del (NM_001042723.2).
Identifiers: ClinVar variation 2689895 (VCV002689895.3), dbSNP rs2514675919, ClinGen allele CA2584909118.
Genomic context (GRCh38, chr19:38,565,149, plus strand): 5'-AGCCCGAGGGCGAGCCGGAGACCGACGAGGACGAGGGCGCGGGCGCGGCGGAGGCGGGCG[CGGAAGGCGCGGA>C]GGAGGGCGCGGCGGGGCTCGAGGGCACGGCGGCCACGGCGGCGGCGGGGGCGACGGCGCG-3'